The following is an entry in ClinVar:

NM_080669.6(SLC46A1):c.433G>A (p.Val145Met)

Gene: SLC46A1 (solute carrier family 46 member 1; minus strand). Cytogenetic location: 17q11.2.
Variant type: single nucleotide variant.
Coding change: c.433G>A on transcript NM_080669.6 (MANE Select); coding-DNA position 433, G replaced by A.
Protein change: p.Val145Met; replaces valine 145 with methionine.
Molecular consequence: missense variant.
Genome position (GRCh38, 1-based): chr17:28,405,264, C>T on the plus strand (G>A on the coding strand, the complement: SLC46A1 is on the minus strand). VCF-style: chr17-28405264-C-T. GRCh37 (hg19) VCF-style: chr17-26732282-C-T.
Other names: c.433G>A, p.Val145Met (NM_001242366.3); short protein forms V145M.
Identifiers: ClinVar variation 1378786 (VCV001378786.6), dbSNP rs1555590860, ClinGen allele CA398351786.

ClinVar aggregate classification (germline): Uncertain significance (1 of 4 stars; one submission).

Allele frequency attached by ClinVar (database versions not stated): gnomAD exomes below 0.00001 and 0.00001.
gnomAD v4.1: 6 of 1,585,068 alleles (0.00038%); highest among the groups gnomAD compares: East Asian, 0.0023%; no homozygotes.

Submission:

Labcorp Genetics (formerly Invitae), Labcorp
Classification: Uncertain significance. Last evaluated: 2022-02-10. Review status: criteria provided, single submitter. Criteria: Invitae Variant Classification Sherloc (09022015). Collection method: clinical testing. Allele origin: germline.
Comment: In summary, the available evidence is currently insufficient to determine the role of this variant in disease. Therefore, it has been classified as a Variant of Uncertain Significance. Experimental studies and prediction algorithms are not available or were not evaluated, and the functional significance of this variant is currently unknown. This variant has not been reported in the literature in individuals affected with SLC46A1-related conditions. The frequency data for this variant in the population databases is considered unreliable, as metrics indicate poor data quality at this position in the gnomAD database. This sequence change replaces valine with methionine at codon 145 of the SLC46A1 protein (p.Val145Met). The valine residue is weakly conserved and there is a small physicochemical difference between valine and methionine.